The following is an entry in ClinVar:

ClinVar aggregate classification (germline): Uncertain significance (1 of 4 stars; one submission).

Allele frequency attached by ClinVar (database versions not stated): ExAC 0.00001; gnomAD exomes 0.00001.
gnomAD v4.1: 11 of 1,613,858 alleles (0.00068%); highest among the groups gnomAD compares: South Asian, 0.0055%; no homozygotes.

Submission:

CeGaT Center for Human Genetics Tuebingen
Classification: Uncertain significance. Last evaluated: 2022-12-01. Review status: criteria provided, single submitter. Criteria: CeGaT Center For Human Genetics Tuebingen Variant Classification Criteria Version 2. Collection method: clinical testing. Allele origin: germline. Affected: yes. Observed: 1 variant allele.
Comment: COL6A3: PM2, BP5

NM_004369.4(COL6A3):c.3142A>G (p.Lys1048Glu)

Gene: COL6A3 (collagen type VI alpha 3 chain; minus strand). Cytogenetic location: 2q37.3.
Variant type: single nucleotide variant.
Coding change: c.3142A>G on transcript NM_004369.4 (MANE Select); coding-DNA position 3142, A replaced by G.
Protein change: p.Lys1048Glu; replaces lysine 1048 with glutamic acid.
Molecular consequence: missense variant.
Genome position (GRCh38, 1-based): chr2:237,374,949, T>C on the plus strand (A>G on the coding strand, the complement: COL6A3 is on the minus strand). VCF-style: chr2-237374949-T-C. GRCh37 (hg19) VCF-style: chr2-238283592-T-C.
Other names: c.1921A>G, p.Lys641Glu (NM_057164.5); c.2524A>G, p.Lys842Glu (NM_057165.5, NM_057167.4); c.1321A>G, p.Lys441Glu (NM_057166.5); short protein forms K1048E, K441E, K641E, K842E.
Identifiers: ClinVar variation 2652049 (VCV002652049.24), dbSNP rs781633444, ClinGen allele CA2189231.